The following is an entry in ClinVar:

ClinVar aggregate classification (germline): Uncertain significance (1 of 4 stars; one submission).

Conditions:
Intellectual developmental disorder, autosomal dominant 1. Also called: Intellectual disability, autosomal dominant 1; MBD5 Haploinsufficiency. Identifiers: Orphanet 228402, MedGen C1969562, MONDO:0007974, OMIM 156200.

Allele frequency attached by ClinVar (database versions not stated): gnomAD 0.00001; gnomAD exomes 0.00001; 1000 Genomes Project 0.00020; ExAC 0.00002; 1000 Genomes Project 30x 0.00016.
gnomAD v4.1: 12 of 1,614,006 alleles (0.00074%); highest among the groups gnomAD compares: Non-Finnish European, 0.001%; no homozygotes.

Submission:

Labcorp Genetics (formerly Invitae), Labcorp
Classification: Uncertain significance for Intellectual developmental disorder, autosomal dominant 1. Last evaluated: 2025-10-26. Review status: criteria provided, single submitter. Criteria: Invitae Variant Classification Sherloc (09022015). Collection method: clinical testing. Allele origin: germline.
Comment: This sequence change replaces lysine, which is basic and polar, with threonine, which is neutral and polar, at codon 311 of the MBD5 protein (p.Lys311Thr). This variant is present in population databases (rs200561241, gnomAD 0.002%). This variant has not been reported in the literature in individuals affected with MBD5-related conditions. ClinVar contains an entry for this variant (Variation ID: 331332). Invitae Evidence Modeling of protein sequence and biophysical properties (such as structural, functional, and spatial information, amino acid conservation, physicochemical variation, residue mobility, and thermodynamic stability) indicates that this missense variant is not expected to disrupt MBD5 protein function with a negative predictive value of 80%. In summary, the available evidence is currently insufficient to determine the role of this variant in disease. Therefore, it has been classified as a Variant of Uncertain Significance.

NM_001378120.1(MBD5):c.932A>C (p.Lys311Thr)

Gene: MBD5 (methyl-CpG binding domain protein 5; plus strand). Cytogenetic location: 2q23.1.
Variant type: single nucleotide variant.
Coding change: c.932A>C on transcript NM_001378120.1 (MANE Select); coding-DNA position 932, A replaced by C.
Protein change: p.Lys311Thr; replaces lysine 311 with threonine.
Molecular consequence: missense variant.
Genome position (GRCh38, 1-based): chr2:148,468,875, A>C. VCF-style: chr2-148468875-A-C. GRCh37 (hg19) VCF-style: chr2-149226444-A-C.
Other names: c.932A>C, p.Lys311Thr (NM_018328.5); short protein forms K311T.
Identifiers: ClinVar variation 331332 (VCV000331332.13), dbSNP rs200561241, ClinGen allele CA1899939.
Genomic context (GRCh38, chr2:148,468,875, plus strand): 5'-TGGCTGGAAGGACTAATATACCTCTTTCCCCAACCTTGACTACAAAGAGTCCAGTAATGA[A>C]AAAACCAATGTGTAATTTTTCAACTAATATGGAAATACCACGAGCAATGTTCCACCACAA-3'
Protein context (NP_001365049.1, residues 301-321): PTLTTKSPVM[Lys311Thr]KPMCNFSTNM